The following is an entry in ClinVar:

ClinVar aggregate classification (germline): Uncertain significance. Review status: criteria provided, multiple submitters, no conflicts (2 of 4 stars). 5 submissions from 5 submitters: Uncertain significance (5). Last evaluated 2026-07-30.

Conditions:
Acid sphingomyelinase deficiency. Identifiers: Orphanet 618899, MedGen C5243927, MONDO:0100464.
SMPD1-related disorder. Also called: SMPD1-related condition.
Intellectual disability. Also called: Intellectual functioning disability; intellectual disabilities; Intellectual developmental disorder. Identifiers: MedGen C3714756, MeSH D008607, MONDO:0001071, HP:0001249.

Allele frequency attached by ClinVar (database versions not stated): ExAC 0.00005; ESP Exome Variant Server 0.00008; gnomAD 0.00005; TOPMed 0.00005.
gnomAD v4.1: 135 of 1,613,650 alleles (0.0084%); highest among the groups gnomAD compares: East Asian, 0.018%; no homozygotes.

Submissions (5):

Myriad Genetics, Inc.
Classification: Uncertain significance for Acid sphingomyelinase deficiency. Last evaluated: 2026-07-30. Review status: criteria provided, single submitter. Criteria: Myriad Autosomal Dominant, Autosomal Recessive and X-Linked Classification Criteria (2023). Collection method: clinical testing. Allele origin: unknown.
Comment: NM_000543.4(SMPD1):c.1328G>A(R443Q) is a missense variant classified as a variant of uncertain significance in the context of Niemann-Pick disease, SMPD1-related. R443Q has not been observed in cases with relevant disease. Relevant functional assessments of this variant are available in the literature (PMID: 39572736). R443Q has been observed in referenced population frequency databases. In summary, there is insufficient evidence to classify NM_000543.4(SMPD1):c.1328G>A(R443Q) as pathogenic or benign. Please note: this variant was assessed in the context of healthy population screening.

PreventionGenetics, part of Exact Sciences
Classification: Uncertain significance for SMPD1-related condition. Last evaluated: 2026-04-07. Review status: criteria provided, single submitter. Criteria: ACMG Guidelines, 2015. Collection method: clinical testing. Allele origin: germline.
Comment: The SMPD1 c.1328G>A variant is predicted to result in the amino acid substitution p.Arg443Gln. To our knowledge, this variant has not been reported in the literature. This variant is reported in 0.040% of alleles in individuals of East Asian descent in gnomAD. At this time, the clinical significance of this variant is uncertain due to the absence of conclusive functional and genetic evidence.

GeneDx
Classification: Uncertain significance. Last evaluated: 2026-04-01. Review status: criteria provided, single submitter. Criteria: GeneDx Variant Classification Process June 2021. Collection method: clinical testing. Allele origin: germline.
Comment: Reported previously as a heterozygous variant in patients with Parkinson disease and also seen in control samples; however, no further clinical or segregation information was provided (PMID: 39572736); In silico analysis suggests that this missense variant does not alter protein structure/function; This variant is associated with the following publications: (PMID: 39572736)

Mayo Clinic Laboratories, Mayo Clinic
Classification: Uncertain significance. Last evaluated: 2023-05-31. Review status: criteria provided, single submitter. Criteria: ACMG Guidelines, 2015. Collection method: clinical testing. Allele origin: germline. Observed: 1 variant allele.
Comment: PM2

Cambridge Genomics Laboratory, East Genomic Laboratory Hub, NHS Genomic Medicine Service
Classification: Uncertain significance for Intellectual disability. Last evaluated: 2019-11-28. Review status: criteria provided, single submitter. Criteria: ACGS Best Practice Guidelines for Variant Classification in Rare Disease 2020. Collection method: clinical testing. Allele origin: germline. Affected: yes. Observed: 1 variant allele.

Literature cited by the submitters: PubMed 39572736 (cited by Myriad Genetics, Inc.).

NM_000543.5(SMPD1):c.1328G>A (p.Arg443Gln)

Gene: SMPD1 (sphingomyelin phosphodiesterase 1; plus strand). Cytogenetic location: 11p15.4.
Variant type: single nucleotide variant.
Coding change: c.1328G>A on transcript NM_000543.5 (MANE Select); coding-DNA position 1328, G replaced by A.
Protein change: p.Arg443Gln; replaces arginine 443 with glutamine.
Molecular consequence: missense variant. On other transcripts: non-coding transcript variant (2).
Genome position (GRCh38, 1-based): chr11:6,393,681, G>A. VCF-style: chr11-6393681-G-A. GRCh37 (hg19) VCF-style: chr11-6414911-G-A.
Other names: p.Arg443Gln; c.1325G>A, p.Arg442Gln (NM_001007593.3); c.1328G>A, p.Arg443Gln (NM_001318087.2); c.407G>A, p.Arg136Gln (NM_001318088.2); c.1196G>A, p.Arg399Gln (NM_001365135.2); c.1328G>A (NM_000543.4); short protein forms R136Q, R399Q, R442Q, R443Q.
Identifiers: ClinVar variation 2683133 (VCV002683133.4), dbSNP rs377609894, ClinGen allele CA5852853.